The following is an entry in ClinVar:

ClinVar aggregate classification (germline): Uncertain significance. Review status: criteria provided, multiple submitters, no conflicts (2 of 4 stars). 3 submissions from 3 submitters: Uncertain significance (3). Last evaluated 2024-07-07.

Conditions:
Hereditary pheochromocytoma and paraganglioma. Also called: Hereditary paragangliomas and pheochromocytomas; Hereditary Paraganglioma-Pheochromocytoma Syndromes; Hereditary pheochromocytoma-paraganglioma. Identifiers: Orphanet 29072, MedGen C4274332, MONDO:0017366.
Hereditary cancer-predisposing syndrome. Also called: Tumor predisposition; Hereditary Cancer Syndrome; Hereditary neoplastic syndrome; Neoplastic Syndromes, Hereditary. Identifiers: Orphanet 140162, MedGen C0027672, MeSH D009386, MONDO:0015356.

Allele frequency attached by ClinVar (database versions not stated): gnomAD exomes below 0.00001; ExAC 0.00001.

Submissions (3):

Ambry Genetics
Classification: Uncertain significance for Hereditary cancer-predisposing syndrome. Last evaluated: 2024-07-07. Review status: criteria provided, single submitter. Criteria: Ambry Variant Classification Scheme 2023. Collection method: clinical testing. Allele origin: germline.
Comment: The p.L91Q variant (also known as c.272T>A), located in coding exon 2 of the TMEM127 gene, results from a T to A substitution at nucleotide position 272. The leucine at codon 91 is replaced by glutamine, an amino acid with dissimilar properties. This amino acid position is conserved. In addition, this alteration is predicted to be deleterious by in silico analysis. Based on the available evidence, the clinical significance of this variant remains unclear.

Labcorp Genetics (formerly Invitae), Labcorp
Classification: Uncertain significance for Hereditary pheochromocytoma and paraganglioma. Last evaluated: 2023-09-03. Review status: criteria provided, single submitter. Criteria: Invitae Variant Classification Sherloc (09022015). Collection method: clinical testing. Allele origin: germline.
Comment: In summary, the available evidence is currently insufficient to determine the role of this variant in disease. Therefore, it has been classified as a Variant of Uncertain Significance. An algorithm developed to predict the effect of missense changes on protein structure and function (PolyPhen-2) suggests that this variant is likely to be disruptive. ClinVar contains an entry for this variant (Variation ID: 1386560). This variant has not been reported in the literature in individuals affected with TMEM127-related conditions. This variant is present in population databases (rs775019246, gnomAD 0.007%). This sequence change replaces leucine, which is neutral and non-polar, with glutamine, which is neutral and polar, at codon 91 of the TMEM127 protein (p.Leu91Gln).

GeneDx
Classification: Uncertain significance. Last evaluated: 2022-06-16. Review status: criteria provided, single submitter. Criteria: GeneDx Variant Classification Process June 2021. Collection method: clinical testing. Allele origin: germline. Affected: yes.
Comment: Not observed at significant frequency in large population cohorts (gnomAD); In silico analysis supports that this missense variant does not alter protein structure/function; Has not been previously published as pathogenic or benign to our knowledge; This variant is associated with the following publications: (PMID: 21156949)

NM_017849.4(TMEM127):c.272T>A (p.Leu91Gln)

Gene: TMEM127 (transmembrane protein 127; minus strand). Cytogenetic location: 2q11.2.
Variant type: single nucleotide variant.
Coding change: c.272T>A on transcript NM_017849.4 (MANE Select); coding-DNA position 272, T replaced by A.
Protein change: p.Leu91Gln; replaces leucine 91 with glutamine.
Molecular consequence: missense variant.
Genome position (GRCh38, 1-based): chr2:96,254,970, A>T on the plus strand (T>A on the coding strand, the complement: TMEM127 is on the minus strand). VCF-style: chr2-96254970-A-T. GRCh37 (hg19) VCF-style: chr2-96920708-A-T.
Other names: c.272T>A, p.Leu91Gln (NM_001193304.3); short protein forms L91Q.
Identifiers: ClinVar variation 1386560 (VCV001386560.8), dbSNP rs775019246, ClinGen allele CA1777362.